The following is an entry in ClinVar:

NM_006206.6(PDGFRA):c.1282A>G (p.Thr428Ala)

Gene: PDGFRA (platelet derived growth factor receptor alpha; plus strand). Cytogenetic location: 4q12.
Variant type: single nucleotide variant.
Coding change: c.1282A>G on transcript NM_006206.6 (MANE Select); coding-DNA position 1282, A replaced by G.
Protein change: p.Thr428Ala; replaces threonine 428 with alanine.
Molecular consequence: missense variant.
Genome position (GRCh38, 1-based): chr4:54,272,438, A>G. VCF-style: chr4-54272438-A-G. GRCh37 (hg19) VCF-style: chr4-55138605-A-G.
Other names: c.1282A>G, p.Thr428Ala (NM_001347827.2, NM_001347829.2); c.1357A>G, p.Thr453Ala (NM_001347828.2); c.1321A>G, p.Thr441Ala (NM_001347830.2); short protein forms T428A, T441A, T453A.
Identifiers: ClinVar variation 240299 (VCV000240299.13), dbSNP rs878854820, ClinGen allele CA10582242.

ClinVar aggregate classification (germline): Conflicting classifications of pathogenicity. Review status: criteria provided, conflicting classifications (1 of 4 stars). 3 submissions from 3 submitters: Uncertain significance (2); Likely benign (1). Last evaluated 2025-01-31.

Conditions:
Hereditary cancer-predisposing syndrome. Also called: Neoplastic Syndromes, Hereditary; Hereditary neoplastic syndrome; Hereditary Cancer Syndrome; Tumor predisposition. Identifiers: Orphanet 140162, MedGen C0027672, MeSH D009386, MONDO:0015356.
Gastrointestinal stromal tumor. Also called: Gastrointestinal stromal tumor, somatic; Gastrointestinal stroma tumor. Identifiers: Orphanet 44890, MedGen C0238198, MeSH D046152, MONDO:0011719, OMIM 606764, HP:0100723.

Allele frequency attached by ClinVar (database versions not stated): gnomAD 0.00001; gnomAD exomes 0.00001; TOPMed 0.00001.
gnomAD v4.1: 12 of 1,613,954 alleles (0.00074%); highest among the groups gnomAD compares: African/African-American, 0.0027%; no homozygotes.

Submissions (3):

Ambry Genetics
Classification: Likely benign for Hereditary cancer-predisposing syndrome. Last evaluated: 2025-01-31. Review status: criteria provided, single submitter. Criteria: Ambry Variant Classification Scheme 2023. Collection method: clinical testing. Allele origin: germline.

Labcorp Genetics (formerly Invitae), Labcorp
Classification: Uncertain significance for Gastrointestinal stromal tumor. Last evaluated: 2025-01-28. Review status: criteria provided, single submitter. Criteria: Invitae Variant Classification Sherloc (09022015). Collection method: clinical testing. Allele origin: germline.
Comment: This sequence change replaces threonine, which is neutral and polar, with alanine, which is neutral and non-polar, at codon 428 of the PDGFRA protein (p.Thr428Ala). This variant is present in population databases (no rsID available, gnomAD 0.003%). This variant has not been reported in the literature in individuals affected with PDGFRA-related conditions. ClinVar contains an entry for this variant (Variation ID: 240299). An algorithm developed to predict the effect of missense changes on protein structure and function outputs the following: PolyPhen-2: "Benign". The alanine amino acid residue is found in multiple mammalian species, which suggests that this missense change does not adversely affect protein function. In summary, the available evidence is currently insufficient to determine the role of this variant in disease. Therefore, it has been classified as a Variant of Uncertain Significance.

GeneDx
Classification: Uncertain significance. Last evaluated: 2022-05-26. Review status: criteria provided, single submitter. Criteria: GeneDx Variant Classification Process June 2021. Collection method: clinical testing. Allele origin: germline. Affected: yes.
Comment: Not observed at significant frequency in large population cohorts (gnomAD); In silico analysis supports that this missense variant does not alter protein structure/function; Has not been previously published as pathogenic or benign to our knowledge